The following is an entry in ClinVar:

NM_001003841.3(SLC6A19):c.1334A>G (p.Asp445Gly)

Gene: SLC6A19 (solute carrier family 6 member 19; plus strand). Cytogenetic location: 5p15.33.
Variant type: single nucleotide variant.
Coding change: c.1334A>G on transcript NM_001003841.3 (MANE Select); coding-DNA position 1334, A replaced by G.
Protein change: p.Asp445Gly; replaces aspartic acid 445 with glycine.
Molecular consequence: missense variant.
Genome position (GRCh38, 1-based): chr5:1,219,063, A>G. VCF-style: chr5-1219063-A-G. GRCh37 (hg19) VCF-style: chr5-1219178-A-G.
Other names: c.1334A>G (NM_001003841.2); short protein forms D445G.
Identifiers: ClinVar variation 2054640 (VCV002054640.6), dbSNP rs1310554795, ClinGen allele CA359073821.

ClinVar aggregate classification (germline): Uncertain significance. Review status: criteria provided, multiple submitters, no conflicts (2 of 4 stars). 2 submissions from 2 submitters: Uncertain significance (2). Last evaluated 2024-10-16.

Conditions:
Inborn genetic diseases. Identifiers: MedGen C0950123, MeSH D030342.

Allele frequency attached by ClinVar (database versions not stated): gnomAD 0.00001; TOPMed 0.00001; gnomAD exomes 0.00002.
gnomAD v4.1: 32 of 1,613,754 alleles (0.002%); highest among the groups gnomAD compares: Non-Finnish European, 0.0023%; no homozygotes.

Submissions (2):

Labcorp Genetics (formerly Invitae), Labcorp
Classification: Uncertain significance. Last evaluated: 2024-10-16. Review status: criteria provided, single submitter. Criteria: Invitae Variant Classification Sherloc (09022015). Collection method: clinical testing. Allele origin: germline.
Comment: This sequence change replaces aspartic acid, which is acidic and polar, with glycine, which is neutral and non-polar, at codon 445 of the SLC6A19 protein (p.Asp445Gly). This variant is present in population databases (no rsID available, gnomAD 0.003%). This variant has not been reported in the literature in individuals affected with SLC6A19-related conditions. ClinVar contains an entry for this variant (Variation ID: 2054640). Invitae Evidence Modeling of protein sequence and biophysical properties (such as structural, functional, and spatial information, amino acid conservation, physicochemical variation, residue mobility, and thermodynamic stability) has been performed for this missense variant. However, the output from this modeling did not meet the statistical confidence thresholds required to predict the impact of this variant on SLC6A19 protein function. In summary, the available evidence is currently insufficient to determine the role of this variant in disease. Therefore, it has been classified as a Variant of Uncertain Significance.

Ambry Genetics
Classification: Uncertain significance for Inborn genetic diseases. Last evaluated: 2023-04-18. Review status: criteria provided, single submitter. Criteria: Ambry Variant Classification Scheme 2023. Collection method: clinical testing. Allele origin: germline.